The following is an entry in ClinVar:

ClinVar aggregate classification (germline): Likely pathogenic (1 of 4 stars; one submission).

Conditions:
Fanconi anemia (FA). Also called: Fanconi's anemia. Identifiers: Orphanet 84, MedGen C0015625, MeSH D005199, MONDO:0019391.

Submission:

Labcorp Genetics (formerly Invitae), Labcorp
Classification: Likely pathogenic for Fanconi anemia. Last evaluated: 2021-12-11. Review status: criteria provided, single submitter. Criteria: Invitae Variant Classification Sherloc (09022015). Collection method: clinical testing. Allele origin: germline.
Comment: In summary, the currently available evidence indicates that the variant is pathogenic, but additional data are needed to prove that conclusively. Therefore, this variant has been classified as Likely Pathogenic. This variant disrupts the p.Thr1131 amino acid residue in FANCA. Other variant(s) that disrupt this residue have been determined to be pathogenic (PMID: 1792455, 1927896, 9371798, 12444097, 15643609, 19367192, 22778927). This suggests that this residue is clinically significant, and that variants that disrupt this residue are likely to be disease-causing. Advanced modeling of protein sequence and biophysical properties (such as structural, functional, and spatial information, amino acid conservation, physicochemical variation, residue mobility, and thermodynamic stability) performed at Invitae indicates that this missense variant is expected to disrupt FANCA protein function. This variant has not been reported in the literature in individuals affected with FANCA-related conditions. This variant is not present in population databases (gnomAD no frequency). This sequence change replaces threonine, which is neutral and polar, with asparagine, which is neutral and polar, at codon 1131 of the FANCA protein (p.Thr1131Asn).

Literature cited by the submitters: PubMed 1792455; PubMed 1927896; PubMed 9371798; PubMed 12444097; PubMed 15643609; PubMed 19367192; PubMed 22778927.

NM_000135.4(FANCA):c.3392C>A (p.Thr1131Asn)

Genes: FANCA (FA complementation group A; minus strand), LOC132090450 (Neanderthal introgressed variant-containing enhancer experimental_46718; plus strand). Cytogenetic location: 16q24.3.
Variant type: single nucleotide variant.
Coding change: c.3392C>A on transcript NM_000135.4 (MANE Select); coding-DNA position 3392, C replaced by A.
Protein change: p.Thr1131Asn; replaces threonine 1131 with asparagine.
Molecular consequence: missense variant.
Genome position (GRCh38, 1-based): chr16:89,746,847, G>T on the plus strand (C>A on the coding strand, the complement: FANCA is on the minus strand). VCF-style: chr16-89746847-G-T. GRCh37 (hg19) VCF-style: chr16-89813255-G-T.
Other names: c.3392C>A, p.Thr1131Asn (NM_001286167.3); short protein forms T1131N.
Identifiers: ClinVar variation 2039808 (VCV002039808.4), dbSNP rs2143109078, ClinGen allele CA397486076.